The following is an entry in ClinVar:

NM_004360.5(CDH1):c.1359C>T (p.His453=)

Gene: CDH1 (cadherin 1; plus strand). Cytogenetic location: 16q22.1.
Variant type: single nucleotide variant.
Coding change: c.1359C>T on transcript NM_004360.5 (MANE Select); coding-DNA position 1359, C replaced by T.
Protein change: p.His453=; no amino-acid change (histidine 453 retained).
Molecular consequence: synonymous variant. On other transcripts: 5 prime UTR variant (2).
Genome position (GRCh38, 1-based): chr16:68,815,553, C>T. VCF-style: chr16-68815553-C-T. GRCh37 (hg19) VCF-style: chr16-68849456-C-T.
Other names: c.1359C>T (LRG_301t1); c.1176C>T, p.His392= (NM_001317184.2); c.-190C>T (NM_001317185.2); c.-461C>T (NM_001317186.2).
Identifiers: ClinVar variation 184324 (VCV000184324.43), dbSNP rs114861467, ClinGen allele CA188602.

ClinVar aggregate classification (germline): Benign/Likely benign. Review status: criteria provided, multiple submitters, no conflicts (2 of 4 stars). 15 submissions from 15 submitters: Benign (7); Likely benign (7). 1 of the submissions does not count toward it. Last evaluated 2026-02-01.

Conditions:
Hereditary cancer-predisposing syndrome. Also called: Tumor predisposition; Neoplastic Syndromes, Hereditary; Hereditary Cancer Syndrome; Hereditary neoplastic syndrome. Identifiers: Orphanet 140162, MedGen C0027672, MeSH D009386, MONDO:0015356.
Hereditary breast ovarian cancer syndrome. Also called: Hereditary breast and ovarian cancer; Hereditary breast and ovarian cancer syndrome (HBOC); Breast and ovarian cancer; Hereditary breast and/or ovarian cancer syndrome; BRCA1- and BRCA2-Associated Hereditary Breast and Ovarian Cancer; Hereditary breast and ovarian cancer syndrome. Identifiers: Orphanet 145, MedGen C0677776, MeSH D061325, MONDO:0003582. Disease mechanism: loss of function.
Hereditary diffuse gastric adenocarcinoma (HDGC). Also called: DIFFUSE GASTRIC AND LOBULAR BREAST CANCER SYNDROME. Identifiers: Orphanet 26106, MedGen C1708349, MONDO:0007648, OMIM 137215.

Allele frequency attached by ClinVar (database versions not stated): gnomAD 0.00009; TOPMed 0.00014; gnomAD exomes 0.00025; ExAC 0.00026.
gnomAD v4.1: 128 of 1,614,230 alleles (0.0079%); highest among the groups gnomAD compares: Admixed American, 0.097%; 1 homozygote.

Submissions (15):

Labcorp Genetics (formerly Invitae), Labcorp
Classification: Benign for Hereditary diffuse gastric adenocarcinoma. Last evaluated: 2026-02-01. Review status: criteria provided, single submitter. Criteria: Invitae Variant Classification Sherloc (09022015). Collection method: clinical testing. Allele origin: germline.

CeGaT Center for Human Genetics Tuebingen
Classification: Likely benign. Last evaluated: 2025-12-01. Review status: criteria provided, single submitter. Criteria: CeGaT Center For Human Genetics Tuebingen Variant Classification Criteria Version 2. Collection method: clinical testing. Allele origin: germline. Affected: yes. Observed: 1 variant allele.
Comment: CDH1: BP4, BP7

Center for Genomic Medicine, Rigshospitalet, Copenhagen University Hospital
Classification: Likely benign. Last evaluated: 2025-03-04. Review status: criteria provided, single submitter. Criteria: ACMG Guidelines, 2015. Collection method: clinical testing. Allele origin: germline.

German Consortium for Hereditary Breast and Ovarian Cancer, University Hospital Cologne
Classification: Likely benign for Hereditary breast ovarian cancer syndrome. Last evaluated: 2024-11-11. Review status: criteria provided, single submitter. Criteria: ACMG Guidelines, 2015. Collection method: curation. Allele origin: germline.
Comment: According to the ACMG SVI adaptation criteria we chose these criteria: BP4 (supporting benign): No predicted impact on splicing, BP7 (supporting benign): The variation shows a not conserved nucleotide (phyloP: -1.46 [-19.0, 10.9])., BS1 (strong benign): gnomAD v3: East Asian: 0.1347%

Myriad Genetics, Inc.
Classification: Benign for Hereditary diffuse gastric adenocarcinoma. Last evaluated: 2023-03-06. Review status: criteria provided, single submitter. Criteria: Myriad Autosomal Dominant, Autosomal Recessive and X-Linked Classification Criteria (2023). Collection method: clinical testing. Allele origin: unknown.
Comment: This variant is considered benign. This variant is a silent/synonymous amino acid change and it is not expected to impact splicing.

Quest Diagnostics Nichols Institute San Juan Capistrano
Classification: Benign. Last evaluated: 2022-03-03. Review status: criteria provided, single submitter. Criteria: Quest Diagnostics criteria. Collection method: clinical testing. Allele origin: unknown.

Sema4
Classification: Benign for Hereditary cancer-predisposing syndrome. Last evaluated: 2021-09-09. Review status: criteria provided, single submitter. Criteria: Sema4 Curation Guidelines. Collection method: curation. Allele origin: germline.

Genetic Services Laboratory, University of Chicago
Classification: Likely benign. Last evaluated: 2021-01-25. Review status: criteria provided, single submitter. Criteria: ACMG Guidelines, 2015. Collection method: clinical testing. Allele origin: germline. Affected: no.

Women's Health and Genetics/Laboratory Corporation of America, LabCorp
Classification: Benign. Last evaluated: 2018-10-22. Review status: criteria provided, single submitter. Criteria: LabCorp Variant Classification Summary - May 2015. Collection method: clinical testing. Allele origin: germline.
Comment: Variant summary: CDH1 c.1359C>T alters a non-conserved nucleotide resulting in a synonymous change. 4/5 computational tools predict no significant impact on normal splicing. However, these predictions have yet to be confirmed by functional studies. The variant allele was found at a frequency of 0.00025 in 277242 control chromosomes. The observed variant frequency is approximately 9-fold above the estimated maximal expected allele frequency for a pathogenic variant in CDH1 causing Hereditary Diffuse Gastric Cancer phenotype (2.8e-05), strongly suggesting that the variant is benign. c.1359C>T has been reported in the literature as a somatic mutation in a colorectal tumor, and thus does not provide unequivocal conclusions about association of the variant with Hereditary Diffuse Gastric Cancer . To our knowledge, no experimental evidence demonstrating an impact on protein function has been reported. Five clinical diagnostic laboratories have submitted clinical-significance assessments for this variant to ClinVar after 2014 without evidence for independent evaluation. All laboratories classified the variant as benign/likely benign. Based on the evidence outlined above, the variant was classified as benign.

Illumina Laboratory Services, Illumina
Classification: Benign for Hereditary diffuse gastric adenocarcinoma. Last evaluated: 2018-01-13. Review status: criteria provided, single submitter. Criteria: ICSL Variant Classification Criteria 13 December 2019. Collection method: clinical testing. Allele origin: germline.
Comment: This variant was observed in the ICSL laboratory as part of a predisposition screen in an ostensibly healthy population. It had not been previously curated by ICSL or reported in the Human Gene Mutation Database (HGMD: prior to June 1st, 2018), and was therefore a candidate for classification through an automated scoring system. Utilizing variant allele frequency, disease prevalence and penetrance estimates, and inheritance mode, an automated score was calculated to assess if this variant is too frequent to cause the disease. Based on the score and internal cut-off values, a variant classified as benign is not then subjected to further curation. The score for this variant resulted in a classification of benign for this disease.

PreventionGenetics, part of Exact Sciences
Classification: Likely benign. Last evaluated: 2017-09-15. Review status: criteria provided, single submitter. Criteria: ACMG Guidelines, 2015. Collection method: clinical testing. Allele origin: germline.

GeneDx
Classification: Benign. Last evaluated: 2015-08-13. Review status: criteria provided, single submitter. Criteria: GeneDx Variant Classification (06012015). Collection method: clinical testing. Allele origin: germline. Affected: yes.
Comment: This variant is considered likely benign or benign based on one or more of the following criteria: it is a conservative change, it occurs at a poorly conserved position in the protein, it is predicted to be benign by multiple in silico algorithms, and/or has population frequency not consistent with disease.

Color Diagnostics, LLC DBA Color Health
Classification: Likely benign for Hereditary cancer-predisposing syndrome. Last evaluated: 2015-08-04. Review status: criteria provided, single submitter. Criteria: ACMG Guidelines, 2015. Collection method: clinical testing. Allele origin: germline.

Ambry Genetics
Classification: Likely benign for Hereditary cancer-predisposing syndrome. Last evaluated: 2014-08-26. Review status: criteria provided, single submitter. Criteria: Ambry Variant Classification Scheme 2023. Collection method: clinical testing. Allele origin: germline.

Counsyl
Classification: Likely benign for Hereditary diffuse gastric adenocarcinoma. Last evaluated: 2016-11-02. Review status: no assertion criteria provided. Collection method: clinical testing. Allele origin: unknown. Not counted in ClinVar's aggregate classification.

Literature cited by the submitters: PubMed 27760322 (cited by Women's Health and Genetics/Laboratory Corporation of America, LabCorp).